The following is an entry in ClinVar:

ClinVar aggregate classification (germline): Conflicting classifications of pathogenicity. Review status: criteria provided, conflicting classifications (1 of 4 stars). 3 submissions from 3 submitters: Uncertain significance (1); Likely benign (1). 1 of the submissions does not count toward it. Last evaluated 2023-06-20.

Conditions:
Bardet-Biedl syndrome 15 (BBS15). Identifiers: Orphanet 110, MedGen C3150127, MONDO:0014443, OMIM 615992.
WDPCP-related disorder. Also called: WDPCP-related condition.
Bardet-Biedl syndrome (BBS). Identifiers: Orphanet 110, MedGen C0752166, MONDO:0015229.

Allele frequency attached by ClinVar (database versions not stated): gnomAD exomes 0.00001.
gnomAD v4.1: 9 of 1,612,518 alleles (0.00056%); highest among the groups gnomAD compares: South Asian, 0.0044%; 1 homozygote.

Submissions (3):

Labcorp Genetics (formerly Invitae), Labcorp
Classification: Likely benign for Bardet-Biedl syndrome. Last evaluated: 2023-06-20. Review status: criteria provided, single submitter. Criteria: Invitae Variant Classification Sherloc (09022015). Collection method: clinical testing. Allele origin: germline.

Illumina Laboratory Services, Illumina
Classification: Uncertain significance for Bardet-Biedl syndrome 15. Last evaluated: 2018-01-13. Review status: criteria provided, single submitter. Criteria: ICSL Variant Classification Criteria 13 December 2019. Collection method: clinical testing. Allele origin: germline.

PreventionGenetics, part of Exact Sciences
Classification: Likely benign for WDPCP-related condition. Last evaluated: 2021-12-19. Review status: no assertion criteria provided. Collection method: clinical testing. Allele origin: germline. Not counted in ClinVar's aggregate classification.
Comment: This variant is classified as likely benign based on ACMG/AMP sequence variant interpretation guidelines (Richards et al. 2015 PMID: 25741868, with internal and published modifications).

NM_015910.7(WDPCP):c.255A>G (p.Ser85=)

Gene: WDPCP (WD repeat containing planar cell polarity effector; minus strand). Cytogenetic location: 2p15.
Variant type: single nucleotide variant.
Coding change: c.255A>G on transcript NM_015910.7 (MANE Select); coding-DNA position 255, A replaced by G.
Protein change: p.Ser85=; no amino-acid change (serine 85 retained).
Molecular consequence: synonymous variant. On other transcripts: non-coding transcript variant (2).
Genome position (GRCh38, 1-based): chr2:63,484,986, T>C on the plus strand (A>G on the coding strand, the complement: WDPCP is on the minus strand). VCF-style: chr2-63484986-T-C. GRCh37 (hg19) VCF-style: chr2-63712120-T-C.
Other names: c.183A>G, p.Ser61= (NM_001354044.2); c.255A>G, p.Ser85= (NM_001354045.2).
Identifiers: ClinVar variation 896145 (VCV000896145.14), dbSNP rs1252079324, ClinGen allele CA426387494.